The following is an entry in ClinVar:

NM_005732.4(RAD50):c.1549A>G (p.Thr517Ala)

Gene: RAD50 (RAD50 double strand break repair protein; plus strand). Cytogenetic location: 5q31.1.
Variant type: single nucleotide variant.
Coding change: c.1549A>G on transcript NM_005732.4 (MANE Select); coding-DNA position 1549, A replaced by G.
Protein change: p.Thr517Ala; replaces threonine 517 with alanine.
Molecular consequence: missense variant.
Genome position (GRCh38, 1-based): chr5:132,591,320, A>G. VCF-style: chr5-132591320-A-G. GRCh37 (hg19) VCF-style: chr5-131927012-A-G.
Other names: short protein forms T517A.
Identifiers: ClinVar variation 960889 (VCV000960889.12), dbSNP rs1750693730, ClinGen allele CA360945856.

ClinVar aggregate classification (germline): Uncertain significance. Review status: criteria provided, multiple submitters, no conflicts (2 of 4 stars). 2 submissions from 2 submitters: Uncertain significance (2). Last evaluated 2023-07-08.

Conditions:
Hereditary cancer-predisposing syndrome. Also called: Tumor predisposition; Hereditary neoplastic syndrome; Neoplastic Syndromes, Hereditary; Hereditary Cancer Syndrome. Identifiers: Orphanet 140162, MedGen C0027672, MeSH D009386, MONDO:0015356.

Submissions (2):

Labcorp Genetics (formerly Invitae), Labcorp
Classification: Uncertain significance for Hereditary cancer-predisposing syndrome. Last evaluated: 2023-07-08. Review status: criteria provided, single submitter. Criteria: Invitae Variant Classification Sherloc (09022015). Collection method: clinical testing. Allele origin: germline.
Comment: ClinVar contains an entry for this variant (Variation ID: 960889). This variant has not been reported in the literature in individuals affected with RAD50-related conditions. This variant is not present in population databases (gnomAD no frequency). This sequence change replaces threonine, which is neutral and polar, with alanine, which is neutral and non-polar, at codon 517 of the RAD50 protein (p.Thr517Ala). Advanced modeling of protein sequence and biophysical properties (such as structural, functional, and spatial information, amino acid conservation, physicochemical variation, residue mobility, and thermodynamic stability) performed at Invitae indicates that this missense variant is not expected to disrupt RAD50 protein function. In summary, the available evidence is currently insufficient to determine the role of this variant in disease. Therefore, it has been classified as a Variant of Uncertain Significance.

Ambry Genetics
Classification: Uncertain significance for Hereditary cancer-predisposing syndrome. Last evaluated: 2023-04-23. Review status: criteria provided, single submitter. Criteria: Ambry Variant Classification Scheme 2023. Collection method: clinical testing. Allele origin: germline.
Comment: The p.T517A variant (also known as c.1549A>G), located in coding exon 10 of the RAD50 gene, results from an A to G substitution at nucleotide position 1549. The threonine at codon 517 is replaced by alanine, an amino acid with similar properties. This amino acid position is not well conserved in available vertebrate species. In addition, this alteration is predicted to be tolerated by in silico analysis. Since supporting evidence is limited at this time, the clinical significance of this alteration remains unclear.